The following is an entry in ClinVar:

ClinVar aggregate classification (germline): Pathogenic (1 of 4 stars; one submission).

Conditions:
Neurofibromatosis, type 1 (NF1). Also called: Peripheral type neurofibromatosis; VON RECKLINGHAUSEN DISEASE; NEUROFIBROMATOSIS, TYPE I, SOMATIC; Neurofibromatosis, type I. Identifiers: Orphanet 636, MedGen C0027831, MONDO:0018975, OMIM 162200. Disease mechanism: loss of function.

Submission:

Labcorp Genetics (formerly Invitae), Labcorp
Classification: Pathogenic for Neurofibromatosis, type 1. Last evaluated: 2019-02-28. Review status: criteria provided, single submitter. Criteria: Invitae Variant Classification Sherloc (09022015). Collection method: clinical testing. Allele origin: germline.
Comment: This variant is a gross deletion of the genomic region encompassing exons 36-57 of the NF1 gene. The 5' boundary is likely confined to intron 35. The 3' end of this event is unknown as it extends through the termination codon beyond the assayed region for this gene and may encompass additional genes. While this deletion is not anticipated to result in nonsense mediated decay, it is expected to create a truncated protein product or disrupt mRNA translation. Similar deletions of exons 36-57 have been observed in individuals affected with neurofibromatosis type 1 (Invitae). Multiple missense variants, including p.Arg1809Cys, p.Arg1809Leu, and p.Arg1849Gln, located within the deleted region, have been determined to be pathogenic (PMID: 10607834, 10980545, 24357598, 12807981, 26178382). This suggests that this region is critical for NF1 protein function and that the deletion of this larger portion of the NF1 protein may also be pathogenic. For these reasons, this variant has been classified as Pathogenic.

Literature cited by the submitters: PubMed 10980545; PubMed 24357598; PubMed 26178382; PubMed 12807981; PubMed 10607834.

NC_000017.11:g.(?_31325814)_(31374161_?)del

Genes: NF1 (neurofibromin 1; plus strand), LOC108281182 (NF1 intron 50 Alu-mediated recombination region; plus strand), LOC125177454 (Sharpr-MPRA regulatory region 6872; plus strand). Cytogenetic location: 17q11.2.
Variant type: Deletion.
Identifiers: ClinVar variation 583680 (VCV000583680.2).